The following is an entry in ClinVar:

NM_000088.4(COL1A1):c.2245G>A (p.Gly749Ser)

Gene: COL1A1 (collagen type I alpha 1 chain; minus strand). Cytogenetic location: 17q21.33.
Variant type: single nucleotide variant.
Coding change: c.2245G>A on transcript NM_000088.4 (MANE Select); coding-DNA position 2245, G replaced by A.
Protein change: p.Gly749Ser; replaces glycine 749 with serine.
Molecular consequence: missense variant.
Genome position (GRCh38, 1-based): chr17:50,190,915, C>T on the plus strand (G>A on the coding strand, the complement: COL1A1 is on the minus strand). VCF-style: chr17-50190915-C-T. GRCh37 (hg19) VCF-style: chr17-48268276-C-T.
Other names: short protein forms G749S.
Identifiers: ClinVar variation 2138072 (VCV002138072.4), dbSNP rs2509194385, ClinGen allele CA400210474.

ClinVar aggregate classification (germline): Pathogenic (1 of 4 stars; one submission).

Conditions:
Osteogenesis imperfecta type I (OI1). Also called: OI, TYPE I; OSTEOGENESIS IMPERFECTA TARDA; OSTEOGENESIS IMPERFECTA WITH BLUE SCLERAE; Osteogenesis imperfecta type 1; Lobstein disease; Lobstein's Disease. Identifiers: Orphanet 216796, Orphanet 666, MedGen C0023931, MONDO:0008146, OMIM 166200. Disease mechanism: loss of function.

Submission:

Labcorp Genetics (formerly Invitae), Labcorp
Classification: Pathogenic for Osteogenesis imperfecta type I. Last evaluated: 2022-05-12. Review status: criteria provided, single submitter. Criteria: Invitae Variant Classification Sherloc (09022015). Collection method: clinical testing. Allele origin: germline.
Comment: This missense change has been observed in individual(s) with clinical features of osteogenesis imperfecta (PMID: 25086671; Invitae). This sequence change replaces glycine, which is neutral and non-polar, with serine, which is neutral and polar, at codon 749 of the COL1A1 protein (p.Gly749Ser). This variant is not present in population databases (gnomAD no frequency). Advanced modeling of protein sequence and biophysical properties (such as structural, functional, and spatial information, amino acid conservation, physicochemical variation, residue mobility, and thermodynamic stability) performed at Invitae indicates that this missense variant is expected to disrupt COL1A1 protein function. This variant disrupts the triple helix domain of COL1A1. Glycine residues within the Gly-Xaa-Yaa repeats of the triple helix domain are required for the structure and stability of fibrillar collagens (PMID: 7695699, 8218237, 19344236). In COL1A1, variants affecting these glycine residues are significantly enriched in individuals with disease (PMID: 9016532, 17078022) compared to the general population (ExAC). For these reasons, this variant has been classified as Pathogenic.

Literature cited by the submitters: PubMed 25086671; PubMed 7695699; PubMed 8218237; PubMed 19344236; PubMed 9016532; PubMed 17078022.